The following is an entry in ClinVar:

ClinVar aggregate classification (germline): Uncertain significance (1 of 4 stars; one submission).

Conditions:
PLEC-related disorder. Also called: PLEC-related disorders; PLEC-related condition.

Submission:

PreventionGenetics, part of Exact Sciences
Classification: Uncertain significance for PLEC-related condition. Last evaluated: 2026-05-16. Review status: criteria provided, single submitter. Criteria: ACMG Guidelines, 2015. Collection method: clinical testing. Allele origin: germline.
Comment: The PLEC c.8122G>C variant is predicted to result in the amino acid substitution p.Glu2708Gln. To our knowledge, this variant has not been reported in the literature or in a large population database (gnomAD), indicating this variant is rare. At this time, the clinical significance of this variant is uncertain due to the absence of conclusive functional and genetic evidence.

NM_201384.3(PLEC):c.8041G>C (p.Glu2681Gln)

Gene: PLEC (plectin; minus strand). Cytogenetic location: 8q24.3.
Variant type: single nucleotide variant.
Coding change: c.8041G>C on transcript NM_201384.3 (MANE Select); coding-DNA position 8041, G replaced by C.
Protein change: p.Glu2681Gln; replaces glutamic acid 2681 with glutamine.
Molecular consequence: missense variant.
Genome position (GRCh38, 1-based): chr8:143,921,780, C>G on the plus strand (G>C on the coding strand, the complement: PLEC is on the minus strand). VCF-style: chr8-143921780-C-G. GRCh37 (hg19) VCF-style: chr8-144995948-C-G.
Other names: c.8122G>C, p.Glu2708Gln (NM_000445.5); c.4741G>C, p.Glu1581Gln (NM_001410941.1); c.7999G>C, p.Glu2667Gln (NM_201378.4); c.7975G>C, p.Glu2659Gln (NM_201379.3); c.8452G>C, p.Glu2818Gln (NM_201380.4); c.7945G>C, p.Glu2649Gln (NM_201381.3); c.8041G>C, p.Glu2681Gln (NM_201382.4); c.8053G>C, p.Glu2685Gln (NM_201383.3); short protein forms E2649Q, E2659Q, E2708Q, E1581Q, E2685Q, E2667Q, E2681Q, E2818Q.
Identifiers: ClinVar variation 4991897 (VCV004991897.1).